The following is an entry in ClinVar:

ClinVar aggregate classification (germline): Pathogenic (1 of 4 stars; one submission).

Conditions:
Neurofibromatosis, type 1 (NF1). Also called: VON RECKLINGHAUSEN DISEASE; Peripheral type neurofibromatosis; Neurofibromatosis, type I; NEUROFIBROMATOSIS, TYPE I, SOMATIC. Identifiers: Orphanet 636, MedGen C0027831, MONDO:0018975, OMIM 162200. Disease mechanism: loss of function.

Submission:

Labcorp Genetics (formerly Invitae), Labcorp
Classification: Pathogenic for Neurofibromatosis, type 1. Last evaluated: 2015-03-28. Review status: criteria provided, single submitter. Criteria: Invitae Variant Classification Sherloc (09022015). Collection method: clinical testing. Allele origin: germline.
Comment: For these reasons, this variant has been classified as Pathogenic. While this particular sequence change has not been reported in the literature, truncating sequence changes in NF1 are known to be pathogenic (PMID: 10712197, 23913538). This sequence change deletes 2 nucleotides in exon 24 of the NF1 mRNA (c.3138_3139delAG), causing a frameshift at codon 1047. This creates a premature translational stop signal (p.Asp1047Leufs*12) and is expected to result in an absent or disrupted protein product.

Literature cited by the submitters: PubMed 10712197; PubMed 23913538.

NM_001042492.3(NF1):c.3139_3140del (p.Asp1047fs)

Gene: NF1 (neurofibromin 1; plus strand). Cytogenetic location: 17q11.2.
Variant type: Deletion.
Coding change: c.3139_3140del on transcript NM_001042492.3 (MANE Select); coding-DNA positions 3139 to 3140, 2 bases deleted (GA; older notation c.3139_3140delGA).
Protein change: p.Asp1047fs; shifts the reading frame from aspartic acid 1047.
Molecular consequence: frameshift variant.
Genome position (GRCh38, 1-based): chr17:31,230,867-31,230,868, GA deleted; deleting any 2 consecutive bases within chr17:31,230,866-31,230,868 gives the same sequence; the c. name uses the placement nearest the transcript's 3' end. VCF-style (leftmost placement, unchanged base first): chr17-31230865-CAG-C. GRCh37 (hg19) VCF-style: chr17-29557883-CAG-C.
Other names: c.3138_3139delAG (NM_000267.3); c.3139_3140delGA, p.Asp1047Leufs (NM_000267.4); short protein forms D1047fs.
Identifiers: ClinVar variation 216063 (VCV000216063.5), dbSNP rs863224490, ClinGen allele CA336457.